The following is an entry in ClinVar:

ClinVar aggregate classification (germline): Likely pathogenic (1 of 4 stars; one submission).

Conditions:
Menkes kinky-hair syndrome (MNK). Also called: Classic Menkes Disease; Copper transport disease; Menkes Disease. Identifiers: Orphanet 565, MedGen C0022716, MONDO:0010651, OMIM 309400.

Submission:

Victorian Clinical Genetics Services, Murdoch Childrens Research Institute
Classification: Likely pathogenic for Menkes kinky-hair syndrome. Last evaluated: 2023-12-21. Review status: criteria provided, single submitter. Criteria: ACMG Guidelines, 2015. Collection method: clinical testing. Allele origin: germline. Inheritance: X-linked recessive inheritance. Affected: yes.
Comment: Based on the classification scheme VCGS_Germline_v1.3.4, this variant is classified as Likely pathogenic. Following criteria are met: 0102 - Loss of function is a known mechanism of disease in this gene and is associated with Menkes disease (MIM#309400) and occipital horn syndrome (MIM#304150). (I) 0109 - This gene is associated with X-linked recessive disease. (I) 0200 - Variant is predicted to result in a missense amino acid change from serine to proline. (I) 0253 - This variant is hemizygous. (I) 0301 - Variant is absent from gnomAD (both v2 and v3). (SP) 0501 - Missense variant consistently predicted to be damaging by multiple in silico tools or highly conserved with a major amino acid change. (SP) 0600 - Variant is located in the annotated transmembrane 8 domain (UniProt). (I) 0705 - No comparable missense variants have previous evidence for pathogenicity. (I) 0807 - This variant has no previous evidence of pathogenicity. (I) 0905 - No published segregation evidence has been identified for this variant. (I) 1002 - This variant has moderate functional evidence supporting abnormal protein function. The orthologous variant has been identified in the macular mouse, a murine model of human Menkes disease (PMID: 9166584, 9385451). Functional studies of the macular mutation failed to abolish copper transport to tyrosinase, however the intracellular distribution was affected (PMID: 17483305). (SP) 1101 - Very strong and specific phenotype match for this individual. (I) Legend: (SP) - Supporting pathogenic, (I) - Information, (SB) - Supporting benign

Literature cited by the submitters: PubMed 9166584; PubMed 9385451; PubMed 17483305.

NM_000052.7(ATP7A):c.4168T>C (p.Ser1390Pro)

Gene: ATP7A (ATPase copper transporting alpha; plus strand). Cytogenetic location: Xq21.1.
Variant type: single nucleotide variant.
Coding change: c.4168T>C on transcript NM_000052.7 (MANE Select); coding-DNA position 4168, T replaced by C.
Protein change: p.Ser1390Pro; replaces serine 1390 with proline.
Molecular consequence: missense variant. On other transcripts: non-coding transcript variant (1).
Genome position (GRCh38, 1-based): chrX:78,045,514, T>C. VCF-style: chrX-78045514-T-C. GRCh37 (hg19) VCF-style: chrX-77301011-T-C.
Other names: c.3934T>C, p.Ser1312Pro (NM_001282224.2); short protein forms S1312P, S1390P.
Identifiers: ClinVar variation 1805735 (VCV001805735.2), dbSNP rs2522425533, ClinGen allele CA413605829.